The following is an entry in ClinVar:

NM_015338.6(ASXL1):c.4225C>T (p.Pro1409Ser)

Gene: ASXL1 (ASXL transcriptional regulator 1; plus strand). Cytogenetic location: 20q11.21.
Variant type: single nucleotide variant.
Coding change: c.4225C>T on transcript NM_015338.6 (MANE Select); coding-DNA position 4225, C replaced by T.
Protein change: p.Pro1409Ser; replaces proline 1409 with serine.
Molecular consequence: missense variant.
Genome position (GRCh38, 1-based): chr20:32,436,937, C>T. VCF-style: chr20-32436937-C-T. GRCh37 (hg19) VCF-style: chr20-31024740-C-T.
Other names: c.4042C>T, p.Pro1348Ser (NM_001363734.1); short protein forms P1348S, P1409S.
Identifiers: ClinVar variation 1420707 (VCV001420707.6), dbSNP rs2011944866, ClinGen allele CA408564706.

ClinVar aggregate classification (germline): Uncertain significance (1 of 4 stars; one submission).

Allele frequency attached by ClinVar (database versions not stated): TOPMed below 0.00001.
gnomAD v4.1: 1 of 1,614,180 alleles (0.000062%); highest among the groups gnomAD compares: South Asian, 0.0011%; no homozygotes.

Submission:

Labcorp Genetics (formerly Invitae), Labcorp
Classification: Uncertain significance. Last evaluated: 2022-08-16. Review status: criteria provided, single submitter. Criteria: Invitae Variant Classification Sherloc (09022015). Collection method: clinical testing. Allele origin: germline.
Comment: This sequence change replaces proline, which is neutral and non-polar, with serine, which is neutral and polar, at codon 1409 of the ASXL1 protein (p.Pro1409Ser). This variant is not present in population databases (gnomAD no frequency). This variant has not been reported in the literature in individuals affected with ASXL1-related conditions. ClinVar contains an entry for this variant (Variation ID: 1420707). Algorithms developed to predict the effect of missense changes on protein structure and function are either unavailable or do not agree on the potential impact of this missense change (SIFT: "Tolerated"; PolyPhen-2: "Possibly Damaging"; Align-GVGD: "Class C0"). In summary, the available evidence is currently insufficient to determine the role of this variant in disease. Therefore, it has been classified as a Variant of Uncertain Significance.